The following is an entry in ClinVar:

NM_000535.7(PMS2):c.1164del (p.His388fs)

Gene: PMS2 (PMS1 homolog 2, mismatch repair system component; minus strand). Cytogenetic location: 7p22.1.
Variant type: Deletion.
Coding change: c.1164del on transcript NM_000535.7 (MANE Select); coding-DNA position 1164, one base deleted (T; older notation c.1164delT).
Protein change: p.His388fs; shifts the reading frame from histidine 388.
Molecular consequence: frameshift variant. On other transcripts: non-coding transcript variant (1).
Genome position (GRCh38, 1-based): chr7:5,987,601, A deleted on the plus strand (T on the coding strand, the reverse complement: PMS2 is on the minus strand). VCF-style (leftmost placement, unchanged base first): chr7-5987600-CA-C. GRCh37 (hg19) VCF-style: chr7-6027231-CA-C.
Other names: c.1164delT (NM_000535.7); c.1164del (NM_000535.6); c.759del, p.His253fs (NM_001322003.2, NM_001322004.2, NM_001322005.2 and 1 more transcripts); c.1008del, p.His336fs (NM_001322006.2); c.846del, p.His282fs (NM_001322007.2, NM_001322008.2); c.603del, p.His201fs (NM_001322010.2); c.231del, p.His77fs (NM_001322011.2, NM_001322012.2); c.591del, p.His197fs (NM_001322013.2); and 2 more; short protein forms H201fs, H282fs, H285fs, H336fs, H388fs, H197fs, H77fs, H253fs.
Identifiers: ClinVar variation 480324 (VCV000480324.16), dbSNP rs1554298082, ClinGen allele CA658655984.

ClinVar aggregate classification (germline): Pathogenic. Review status: criteria provided, multiple submitters, no conflicts (2 of 4 stars). 6 submissions from 6 submitters: Pathogenic (6). Last evaluated 2026-03-24.

Conditions:
Hereditary nonpolyposis colorectal neoplasms. Identifiers: MedGen C0009405, MeSH D003123.
Hereditary cancer-predisposing syndrome. Also called: Tumor predisposition; Hereditary Cancer Syndrome; Hereditary neoplastic syndrome; Neoplastic Syndromes, Hereditary. Identifiers: Orphanet 140162, MedGen C0027672, MeSH D009386, MONDO:0015356.
Turcot syndrome. Also called: Mismatch repair cancer syndrome. Identifiers: MedGen C0265325, MONDO:0031219.
Lynch syndrome 4 (LYNCH4). Also called: Hereditary non-polyposis colorectal cancer, type 4; Colorectal cancer, hereditary nonpolyposis, type 4. Identifiers: Orphanet 144, MedGen C1838333, MONDO:0013699, OMIM 614337. Disease mechanism: loss of function.

Submissions (6):

Women's Health and Genetics/Laboratory Corporation of America, LabCorp
Classification: Pathogenic for Turcot syndrome. Last evaluated: 2026-03-24. Review status: criteria provided, single submitter. Criteria: LabCorp Variant Classification Summary - May 2015. Collection method: clinical testing. Allele origin: germline.
Comment: Variant summary: PMS2 c.1164delT (p.His388GlnfsX10) results in a premature termination codon, predicted to cause a truncation of the encoded protein or absence of the protein due to nonsense mediated decay, which are commonly known mechanisms for disease. The variant was absent in 246700 control chromosomes. c.1164delT has been observed in at least two homozygous individuals affected with Mismatch repair cancer syndrome 4 (Chmara_2013). These data indicate that the variant is likely to be associated with disease. To our knowledge, no experimental evidence demonstrating an impact on protein function has been reported. The following publication have been ascertained in the context of this evaluation (PMID: 23629955). ClinVar contains an entry for this variant (Variation ID: 480324). Based on the evidence outlined above, the variant was classified as pathogenic.

Myriad Genetics, Inc.
Classification: Pathogenic for Lynch syndrome 4. Last evaluated: 2023-09-20. Review status: criteria provided, single submitter. Criteria: Myriad Autosomal Dominant, Autosomal Recessive and X-Linked Classification Criteria (2023). Collection method: clinical testing. Allele origin: unknown.
Comment: This variant is considered pathogenic. This variant creates a frameshift predicted to result in premature protein truncation.

Labcorp Genetics (formerly Invitae), Labcorp
Classification: Pathogenic for Hereditary nonpolyposis colorectal neoplasms. Last evaluated: 2022-11-15. Review status: criteria provided, single submitter. Criteria: Invitae Variant Classification Sherloc (09022015). Collection method: clinical testing. Allele origin: germline.
Comment: For these reasons, this variant has been classified as Pathogenic. ClinVar contains an entry for this variant (Variation ID: 480324). This premature translational stop signal has been observed in individual(s) with autosomal recessive PMS2-related conditions (PMID: 23629955). It has also been observed to segregate with disease in related individuals. This variant is not present in population databases (gnomAD no frequency). This sequence change creates a premature translational stop signal (p.His388Glnfs*10) in the PMS2 gene. It is expected to result in an absent or disrupted protein product. Loss-of-function variants in PMS2 are known to be pathogenic (PMID: 21376568, 24362816).

Ambry Genetics
Classification: Pathogenic for Hereditary cancer-predisposing syndrome. Last evaluated: 2022-03-02. Review status: criteria provided, single submitter. Criteria: Ambry Variant Classification Scheme 2023. Collection method: clinical testing. Allele origin: germline.
Comment: The c.1164delT pathogenic mutation, located in coding exon 11 of the PMS2 gene, results from a deletion of one nucleotide at nucleotide position 1164, causing a translational frameshift with a predicted alternate stop codon (p.H388Qfs*10). This pathogenic mutation has been reported in a homozygous state in two siblings with constitutive mismatch repair deficiency (CMMR-D) syndrome; both parents were heterozygous for this mutation however their clinical histories were not provided (Chmara M et al. Genes Chromosomes Cancer 2013 Jul; 52(7):656-64). In addition to the clinical data presented in the literature, this alteration is expected to result in loss of function by premature protein truncation or nonsense-mediated mRNA decay. As such, this alteration is interpreted as a disease-causing mutation.

Sema4
Classification: Pathogenic for Hereditary cancer-predisposing syndrome. Last evaluated: 2021-03-02. Review status: criteria provided, single submitter. Criteria: Sema4 Curation Guidelines. Collection method: curation. Allele origin: germline.
Comment: The PMS2 c.1164delT (p.H388QfsX10) variant has been reported as homozygous in at least two families with constitutional mismatch repair deficiency syndrome (PMID: 23629955, 31599855). Tumors found in these patients exhibit loss of PMS2 protein expression (PMID: 23629955).This variant causes a frameshift at amino acid 388 that results in premature termination 10 amino acids downstream. At this location, this is predicted to cause nonsense-mediated decay and result in an absent protein (loss of function). This variant is not reported in the population database Genome Aggregation Database (PMID: 32461654). Based on the current evidence available, this variant is interpreted as pathogenic.

Color Diagnostics, LLC DBA Color Health
Classification: Pathogenic for Hereditary cancer-predisposing syndrome. Last evaluated: 2020-03-31. Review status: criteria provided, single submitter. Criteria: ACMG Guidelines, 2015. Collection method: clinical testing. Allele origin: germline.
Comment: This variant deletes 1 nucleotide in exon 11 of the PMS2 gene, creating a frameshift and premature translation stop signal. This variant is expected to result in an absent or non-functional protein product. To our knowledge, this variant has not been reported in individuals affected with hereditary cancer in the literature. This variant has not been identified in the general population by the Genome Aggregation Database (gnomAD). Loss of PMS2 function is a known mechanism of disease. Based on the available evidence, this variant is classified as Pathogenic.

Literature cited by the submitters: PubMed 23629955 (cited by 4 submitters); PubMed 21376568 (cited by Labcorp Genetics (formerly Invitae), Labcorp); PubMed 24362816 (cited by Labcorp Genetics (formerly Invitae), Labcorp); PubMed 31599855 (cited by Sema4).